The following is an entry in ClinVar:

ClinVar aggregate classification (germline): Conflicting classifications of pathogenicity. Review status: criteria provided, conflicting classifications (1 of 4 stars). 4 submissions from 4 submitters: Uncertain significance (3); Likely benign (1). Last evaluated 2025-09-16.

Conditions:
Hereditary cancer-predisposing syndrome. Also called: Hereditary neoplastic syndrome; Hereditary Cancer Syndrome; Neoplastic Syndromes, Hereditary; Tumor predisposition. Identifiers: Orphanet 140162, MedGen C0027672, MeSH D009386, MONDO:0015356.
Familial adenomatous polyposis 2. Also called: MYH-associated polyposis; COLORECTAL ADENOMATOUS POLYPOSIS, AUTOSOMAL RECESSIVE; ADENOMAS, MULTIPLE COLORECTAL, AUTOSOMAL RECESSIVE; MUTYH-related attenuated familial adenomatous polyposis; Adenomas, multiple colorectal; FAP type 2. Identifiers: Orphanet 220460, Orphanet 247798, MedGen C3272841, MONDO:0012041, OMIM 608456.

Submissions (4):

Ambry Genetics
Classification: Likely benign for Hereditary cancer-predisposing syndrome. Last evaluated: 2025-09-16. Review status: criteria provided, single submitter. Criteria: Ambry Variant Classification Scheme 2023. Collection method: clinical testing. Allele origin: germline.

GeneDx
Classification: Uncertain significance. Last evaluated: 2025-06-26. Review status: criteria provided, single submitter. Criteria: GeneDx Variant Classification Process June 2021. Collection method: clinical testing. Allele origin: germline. Affected: yes.
Comment: Not observed at significant frequency in large population cohorts (gnomAD); In silico analysis supports that this missense variant has a deleterious effect on protein structure/function; Has not been previously published as pathogenic or benign to our knowledge

Labcorp Genetics (formerly Invitae), Labcorp
Classification: Uncertain significance for Familial adenomatous polyposis 2. Last evaluated: 2024-12-02. Review status: criteria provided, single submitter. Criteria: Invitae Variant Classification Sherloc (09022015). Collection method: clinical testing. Allele origin: germline.
Comment: This sequence change replaces arginine, which is basic and polar, with serine, which is neutral and polar, at codon 217 of the MUTYH protein (p.Arg217Ser). This variant is not present in population databases (gnomAD no frequency). This variant has not been reported in the literature in individuals affected with MUTYH-related conditions. ClinVar contains an entry for this variant (Variation ID: 483935). An algorithm developed to predict the effect of missense changes on protein structure and function (PolyPhen-2) suggests that this variant is likely to be disruptive. In summary, the available evidence is currently insufficient to determine the role of this variant in disease. Therefore, it has been classified as a Variant of Uncertain Significance.

All of Us Research Program, National Institutes of Health
Classification: Uncertain significance for Familial adenomatous polyposis 2. Last evaluated: 2024-08-13. Review status: criteria provided, single submitter. Criteria: ACMG Guidelines, 2015. Collection method: clinical testing. Allele origin: germline. Inheritance: Autosomal recessive inheritance. Observed: 1 variant allele, 1 heterozygote.
Comment: This missense variant replaces arginine with serine at codon 217 of the MUTYH protein. Computational prediction is inconclusive regarding the impact of this variant on protein structure and function. To our knowledge, functional studies have not been reported for this variant. This variant has not been reported in individuals affected with MUTYH-related disorders in the literature. This variant has not been identified in the general population by the Genome Aggregation Database (gnomAD). The available evidence is insufficient to determine the role of this variant in disease conclusively. Therefore, this variant is classified as a Variant of Uncertain Significance.

This study involves interpretation of variants in research participants for the purpose of population health screening. Participant phenotype was not available at the time of variant classification. Additional details can be found in publication PMID: 35346344, PMCID: PMC8962531

NM_001048174.2(MUTYH):c.565C>A (p.Arg189Ser)

Gene: MUTYH (mutY DNA glycosylase; minus strand). Cytogenetic location: 1p34.1.
Variant type: single nucleotide variant.
Coding change: c.565C>A on transcript NM_001048174.2 (MANE Select); coding-DNA position 565, C replaced by A.
Protein change: p.Arg189Ser; replaces arginine 189 with serine.
Molecular consequence: missense variant. On other transcripts: non-coding transcript variant (2).
Genome position (GRCh38, 1-based): chr1:45,332,615, G>T on the plus strand (C>A on the coding strand, the complement: MUTYH is on the minus strand). VCF-style: chr1-45332615-G-T. GRCh37 (hg19) VCF-style: chr1-45798287-G-T.
Other names: c.565C>A, p.Arg189Ser (NM_001048171.2, NM_001048173.2, NM_001293195.2); c.568C>A, p.Arg190Ser (NM_001048172.2); c.649C>A, p.Arg217Ser (NM_001128425.2); c.610C>A, p.Arg204Ser (NM_001293190.2); c.598C>A, p.Arg200Ser (NM_001293191.2); c.289C>A, p.Arg97Ser (NM_001293192.2, NM_001293196.2); c.220C>A, p.Arg74Ser (NM_001350650.2, NM_001350651.2); c.640C>A, p.Arg214Ser (NM_012222.3); short protein forms R217S, R190S, R97S, R189S, R200S, R214S, R204S, R74S.
Identifiers: ClinVar variation 483935 (VCV000483935.19), dbSNP rs537292657, ClinGen allele CA340135333.